The following is an entry in ClinVar:

ClinVar aggregate classification (germline): Uncertain significance. Review status: criteria provided, multiple submitters, no conflicts (2 of 4 stars). 3 submissions from 3 submitters: Uncertain significance (3). Last evaluated 2024-10-24.

Conditions:
Hereditary cancer-predisposing syndrome. Also called: Neoplastic Syndromes, Hereditary; Tumor predisposition; Hereditary neoplastic syndrome; Hereditary Cancer Syndrome. Identifiers: Orphanet 140162, MedGen C0027672, MeSH D009386, MONDO:0015356.
Hereditary nonpolyposis colorectal neoplasms. Identifiers: MedGen C0009405, MeSH D003123.

gnomAD v4.1: 1 of 1,598,320 alleles (0.000063%); highest among the groups gnomAD compares: African/African-American, 0.0014%; no homozygotes.

Submissions (3):

Labcorp Genetics (formerly Invitae), Labcorp
Classification: Uncertain significance for Hereditary nonpolyposis colorectal neoplasms. Last evaluated: 2024-10-24. Review status: criteria provided, single submitter. Criteria: Invitae Variant Classification Sherloc (09022015). Collection method: clinical testing. Allele origin: germline.
Comment: This sequence change replaces leucine, which is neutral and non-polar, with valine, which is neutral and non-polar, at codon 245 of the PMS2 protein (p.Leu245Val). This variant is not present in population databases (gnomAD no frequency). This variant has not been reported in the literature in individuals affected with PMS2-related conditions. ClinVar contains an entry for this variant (Variation ID: 630082). Invitae Evidence Modeling incorporating data from in vitro experimental studies (internal data) indicates that this missense variant is not expected to disrupt PMS2 function with a negative predictive value of 95%. In summary, the available evidence is currently insufficient to determine the role of this variant in disease. Therefore, it has been classified as a Variant of Uncertain Significance.

Ambry Genetics
Classification: Uncertain significance for Hereditary cancer-predisposing syndrome. Last evaluated: 2024-07-11. Review status: criteria provided, single submitter. Criteria: Ambry Variant Classification Scheme 2023. Collection method: clinical testing. Allele origin: germline.
Comment: The p.L245V variant (also known as c.733C>G), located in coding exon 7 of the PMS2 gene, results from a C to G substitution at nucleotide position 733. The leucine at codon 245 is replaced by valine, an amino acid with highly similar properties. This amino acid position is well conserved in available vertebrate species. In addition, this alteration is predicted to be tolerated by in silico analysis. Based on the available evidence, the clinical significance of this variant remains unclear.

Color Diagnostics, LLC DBA Color Health
Classification: Uncertain significance for Hereditary cancer-predisposing syndrome. Last evaluated: 2019-01-18. Review status: criteria provided, single submitter. Criteria: ACMG Guidelines, 2015. Collection method: clinical testing. Allele origin: germline.

NM_000535.7(PMS2):c.733C>G (p.Leu245Val)

Gene: PMS2 (PMS1 homolog 2, mismatch repair system component; minus strand). Cytogenetic location: 7p22.1.
Variant type: single nucleotide variant.
Coding change: c.733C>G on transcript NM_000535.7 (MANE Select); coding-DNA position 733, C replaced by G.
Protein change: p.Leu245Val; replaces leucine 245 with valine.
Molecular consequence: missense variant. On other transcripts: 5 prime UTR variant (2), non-coding transcript variant (1).
Genome position (GRCh38, 1-based): chr7:5,997,396, G>C on the plus strand (C>G on the coding strand, the complement: PMS2 is on the minus strand). VCF-style: chr7-5997396-G-C. GRCh37 (hg19) VCF-style: chr7-6037027-G-C.
Other names: c.328C>G, p.Leu110Val (NM_001322003.2, NM_001322004.2, NM_001322005.2 and 2 more transcripts); c.733C>G, p.Leu245Val (NM_001322006.2, NM_001322014.2); c.415C>G, p.Leu139Val (NM_001322007.2, NM_001322008.2); c.-201C>G (NM_001322011.2, NM_001322012.2); c.160C>G, p.Leu54Val (NM_001322013.2); c.424C>G, p.Leu142Val (NM_001322015.2); short protein forms L245V, L110V, L139V, L142V, L54V.
Identifiers: ClinVar variation 630082 (VCV000630082.10), dbSNP rs201375580, ClinGen allele CA366743744.
Genomic context (GRCh38, chr7:5,997,396, plus strand): 5'-TATGCAGAGCATCGGAACAGCTCAAACCGTACTCTTCACACACGGAGTCACTAGGGGGCA[G>C]CTGAACAAAAGGAATGAGGCTTTGCAACTGAAAAAAAAAAAAAAAAATTCACAGTTACTT-3'
Protein context (NP_000526.2, residues 235-255): QLQSLIPFVQ[Leu245Val]PPSDSVCEEY